The following is an entry in ClinVar:

ClinVar aggregate classification (germline): Likely pathogenic (1 of 4 stars; one submission).

Submission:

GeneDx
Classification: Likely pathogenic. Last evaluated: 2021-11-30. Review status: criteria provided, single submitter. Criteria: GeneDx Variant Classification Process June 2021. Collection method: clinical testing. Allele origin: germline. Affected: yes.
Comment: Not observed in large population cohorts (Lek et al., 2016); In silico analysis supports that this missense variant has a deleterious effect on protein structure/function; Located within the middle domain; Has not been previously published as pathogenic or benign to our knowledge

NM_012062.5(DNM1L):c.1030T>C (p.Tyr344His)

Gene: DNM1L (dynamin 1 like; plus strand). Cytogenetic location: 12p11.21.
Variant type: single nucleotide variant.
Coding change: c.1030T>C on transcript NM_012062.5 (MANE Select); coding-DNA position 1030, T replaced by C.
Protein change: p.Tyr344His; replaces tyrosine 344 with histidine.
Molecular consequence: missense variant.
Genome position (GRCh38, 1-based): chr12:32,722,584, T>C. VCF-style: chr12-32722584-T-C. GRCh37 (hg19) VCF-style: chr12-32875518-T-C.
Other names: c.1030T>C, p.Tyr344His (NM_001278463.2, NM_005690.5, NM_012063.4); c.1069T>C, p.Tyr357His (NM_001278464.2, NM_001278465.2, NM_001330380.2); c.421T>C, p.Tyr141His (NM_001278466.2); short protein forms Y141H, Y344H, Y357H.
Identifiers: ClinVar variation 1326097 (VCV001326097.3), dbSNP rs2137445950, ClinGen allele CA384371267.